The following is an entry in ClinVar:

NM_003041.4(SLC5A2):c.1359C>A (p.Phe453Leu)

Gene: SLC5A2 (solute carrier family 5 member 2; plus strand). Cytogenetic location: 16p11.2.
Variant type: single nucleotide variant.
Coding change: c.1359C>A on transcript NM_003041.4 (MANE Select); coding-DNA position 1359, C replaced by A.
Protein change: p.Phe453Leu; replaces phenylalanine 453 with leucine.
Molecular consequence: missense variant.
Genome position (GRCh38, 1-based): chr16:31,488,958, C>A. VCF-style: chr16-31488958-C-A. GRCh37 (hg19) VCF-style: chr16-31500279-C-A.
Other names: short protein forms F453L.
Identifiers: ClinVar variation 4857244 (VCV004857244.1).

ClinVar aggregate classification (germline): Likely pathogenic (1 of 4 stars; one submission).

Conditions:
Familial renal glucosuria (GLYS). Also called: RENAL GLUCOSURIA, AUTOSOMAL DOMINANT; Familial renal glycosuria. Identifiers: Orphanet 69076, MedGen C3245525, MONDO:0009297, OMIM 233100.

gnomAD v4.1: 1 of 1,602,914 alleles (0.000062%); highest among the groups gnomAD compares: Non-Finnish European, 0.000085%; no homozygotes.

Submission:

MVZ Medizinische Genetik Mainz
Classification: Likely pathogenic for Familial renal glucosuria. Last evaluated: 2024-03-07. Review status: criteria provided, single submitter. Criteria: UK Practice Guidelines For Variant Classification V4 01 2020. Collection method: clinical testing. Allele origin: germline. Inheritance: Autosomal recessive inheritance. Affected: yes. Observed: 1 variant allele.
Comment: ACMG Criteria: PM3,PS4_SUP,PM2_SUP,PM5_SUP,PP3